The following is an entry in ClinVar:

NM_001173464.2(KIF21A):c.1054G>A (p.Asp352Asn)

Gene: KIF21A (kinesin family member 21A; minus strand). Cytogenetic location: 12q12.
Variant type: single nucleotide variant.
Coding change: c.1054G>A on transcript NM_001173464.2 (MANE Select); coding-DNA position 1054, G replaced by A.
Protein change: p.Asp352Asn; replaces aspartic acid 352 with asparagine.
Molecular consequence: missense variant.
Genome position (GRCh38, 1-based): chr12:39,358,339, C>T on the plus strand (G>A on the coding strand, the complement: KIF21A is on the minus strand). VCF-style: chr12-39358339-C-T. GRCh37 (hg19) VCF-style: chr12-39752141-C-T.
Other names: c.1054G>A, p.Asp352Asn (NM_001173463.2, NM_001173465.2, NM_001378439.1 and 3 more transcripts); short protein forms D352N.
Identifiers: ClinVar variation 2429407 (VCV002429407.4), dbSNP rs2501787711, ClinGen allele CA384380843.

ClinVar aggregate classification (germline): Conflicting classifications of pathogenicity. Review status: criteria provided, conflicting classifications (1 of 4 stars). 2 submissions from 2 submitters: Likely pathogenic (1); Uncertain significance (1). Last evaluated 2023-06-01.

Conditions:
KIF21A-related disorder. Also called: KIF21A-related condition.

Submissions (2):

Blueprint Genetics
Classification: Likely pathogenic for KIF21A-related disorders. Last evaluated: 2023-06-01. Review status: criteria provided, single submitter. Criteria: ACMG Guidelines, 2015. Collection method: clinical testing. Allele origin: germline. Affected: yes. Observed: 1 variant allele.

Illumina Laboratory Services, Illumina
Classification: Uncertain significance. Last evaluated: 2022-09-30. Review status: criteria provided, single submitter. Criteria: ICSL CNVClassificationCriteria Aug2020. Collection method: clinical testing. Allele origin: unknown. Affected: yes.
Comment: The KIF21A c.1054G>A (p.Asp352Asn) missense variant results in the substitution of aspartic acid at amino acid position 352 with asparagine. To our knowledge, this variant has not been reported in the peer-reviewed literature. This variant is not found in version 2.1.1 or version 3.1.2 of the Genome Aggregation Database. However, a different amino acid change at the same position, p.Asp352Glu, was reported occurring in a de novo state in an individual with congenital fibrosis of extraocular muscles and Möbius syndrome (PMID: 24715754). Based on the available evidence, the c.1054G>A (p.Asp352Asn) variant is classified as a variant of uncertain significance for congenital fibrosis of extraocular muscles.

Literature cited by the submitters: PubMed 24715754 (cited by Illumina Laboratory Services, Illumina).